The following is an entry in ClinVar:

ClinVar aggregate classification (germline): Uncertain significance (1 of 4 stars; one submission).

Conditions:
Emery-Dreifuss muscular dystrophy 4, autosomal dominant (EDMD4). Also called: EMERY-DREIFUSS MUSCULAR DYSTROPHY 4 WITH VARIABLE FEATURES. Identifiers: Orphanet 261, MedGen C2751807, MONDO:0013071, OMIM 612998.
Autosomal recessive ataxia, Beauce type. Also called: Spinocerebellar ataxia, autosomal recessive 8; ATAXIA, RECESSIVE, OF BEAUCE; SYNE1 Deficiency; SYNE1-Related Autosomal Recessive Cerebellar Ataxia. Identifiers: Orphanet 88644, MedGen C1853116, MONDO:0012549, OMIM 610743.

gnomAD v4.1: 3 of 1,613,420 alleles (0.00019%); highest among the groups gnomAD compares: Non-Finnish European, 0.00025%; no homozygotes.

Submission:

Labcorp Genetics (formerly Invitae), Labcorp
Classification: Uncertain significance for Emery-Dreifuss muscular dystrophy 4, autosomal dominant; Autosomal recessive ataxia, Beauce type. Last evaluated: 2020-10-08. Review status: criteria provided, single submitter. Criteria: Invitae Variant Classification Sherloc (09022015). Collection method: clinical testing. Allele origin: germline.
Comment: In summary, the available evidence is currently insufficient to determine the role of this variant in disease. Therefore, it has been classified as a Variant of Uncertain Significance. Algorithms developed to predict the effect of missense changes on protein structure and function (SIFT, PolyPhen-2, Align-GVGD) all suggest that this variant is likely to be disruptive, but these predictions have not been confirmed by published functional studies and their clinical significance is uncertain. This variant has not been reported in the literature in individuals with SYNE1-related conditions. This variant is not present in population databases (ExAC no frequency). This sequence change replaces serine with leucine at codon 6428 of the SYNE1 protein (p.Ser6428Leu). The serine residue is highly conserved and there is a large physicochemical difference between serine and leucine.

NM_182961.4(SYNE1):c.19496C>T (p.Ser6499Leu)

Gene: SYNE1 (spectrin repeat containing nuclear envelope protein 1; minus strand). Cytogenetic location: 6q25.2.
Variant type: single nucleotide variant.
Coding change: c.19496C>T on transcript NM_182961.4 (MANE Select); coding-DNA position 19496, C replaced by T.
Protein change: p.Ser6499Leu; replaces serine 6499 with leucine.
Molecular consequence: missense variant.
Genome position (GRCh38, 1-based): chr6:152,249,237, G>A on the plus strand (C>T on the coding strand, the complement: SYNE1 is on the minus strand). VCF-style: chr6-152249237-G-A. GRCh37 (hg19) VCF-style: chr6-152570372-G-A.
Other names: c.19283C>T, p.Ser6428Leu (NM_033071.5); short protein forms S6428L, S6499L.
Identifiers: ClinVar variation 1036227 (VCV001036227.8), dbSNP rs779049973, ClinGen allele CA150199967.